The following is an entry in ClinVar:

ClinVar aggregate classification (germline): Uncertain significance (1 of 4 stars; one submission).

Conditions:
Hereditary cancer-predisposing syndrome. Also called: Hereditary Cancer Syndrome; Hereditary neoplastic syndrome; Neoplastic Syndromes, Hereditary; Tumor predisposition. Identifiers: Orphanet 140162, MedGen C0027672, MeSH D009386, MONDO:0015356.

Allele frequency attached by ClinVar (database versions not stated): TOPMed below 0.00001.

Submission:

Ambry Genetics
Classification: Uncertain significance for Hereditary cancer-predisposing syndrome. Last evaluated: 2022-06-02. Review status: criteria provided, single submitter. Criteria: Ambry Variant Classification Scheme 2023. Collection method: clinical testing. Allele origin: germline.
Comment: The p.Q491P variant (also known as c.1472A>C), located in coding exon 7 of the ALK gene, results from an A to C substitution at nucleotide position 1472. The glutamine at codon 491 is replaced by proline, an amino acid with similar properties. This amino acid position is conserved. In addition, this alteration is predicted to be tolerated by in silico analysis. Since supporting evidence is limited at this time, the clinical significance of this alteration remains unclear.

NM_004304.5(ALK):c.1472A>C (p.Gln491Pro)

Gene: ALK (ALK receptor tyrosine kinase; minus strand). Cytogenetic location: 2p23.2.
Variant type: single nucleotide variant.
Coding change: c.1472A>C on transcript NM_004304.5 (MANE Select); coding-DNA position 1472, A replaced by C.
Protein change: p.Gln491Pro; replaces glutamine 491 with proline.
Molecular consequence: missense variant.
Genome position (GRCh38, 1-based): chr2:29,320,825, T>G on the plus strand (A>C on the coding strand, the complement: ALK is on the minus strand). VCF-style: chr2-29320825-T-G. GRCh37 (hg19) VCF-style: chr2-29543691-T-G.
Other names: short protein forms Q491P.
Identifiers: ClinVar variation 1773379 (VCV001773379.2), dbSNP rs1573227417, ClinGen allele CA346472473.